The following is an entry in ClinVar:

NM_001365276.2(TNXB):c.5336G>A (p.Gly1779Glu)

Gene: TNXB (tenascin XB; minus strand). Cytogenetic location: 6p21.33.
Variant type: single nucleotide variant.
Coding change: c.5336G>A on transcript NM_001365276.2 (MANE Select); coding-DNA position 5336, G replaced by A.
Protein change: p.Gly1779Glu; replaces glycine 1779 with glutamic acid.
Molecular consequence: missense variant.
Genome position (GRCh38, 1-based): chr6:32,069,804, C>T on the plus strand (G>A on the coding strand, the complement: TNXB is on the minus strand). VCF-style: chr6-32069804-C-T. GRCh37 (hg19) VCF-style: chr6-32037581-C-T.
Other names: c.5336G>A, p.Gly1779Glu (NM_019105.8); short protein forms G1779E.
Identifiers: ClinVar variation 2500717 (VCV002500717.2), dbSNP rs2483585973, ClinGen allele CA363413832.

ClinVar aggregate classification (germline): Uncertain significance (1 of 4 stars; one submission).

Conditions:
Ehlers-Danlos syndrome due to tenascin-X deficiency (EDSCLL1). Also called: EDS DUE TO TNX DEFICIENCY; EHLERS-DANLOS SYNDROME, CLASSIC-LIKE; Ehlers-Danlos syndrome, classic-like, 1; TNXB-Related Classical-Like Ehlers-Danlos Syndrome; TNX DEFICIENCY. Identifiers: Orphanet 230839, MedGen C1848029, MONDO:0011670, OMIM 606408.

Submission:

Victorian Clinical Genetics Services, Murdoch Childrens Research Institute
Classification: Uncertain significance for Ehlers-Danlos syndrome due to tenascin-X deficiency. Last evaluated: 2021-05-06. Review status: criteria provided, single submitter. Criteria: ACMG Guidelines, 2015. Collection method: clinical testing. Allele origin: germline. Inheritance: Autosomal recessive inheritance. Affected: yes.
Comment: Based on the classification scheme VCGS_Germline_v1.3.4, this variant is classified as VUS-3B. Following criteria are met: 0102 - Loss of function is a known mechanism of disease in this gene and is associated with Ehlers-Danlos syndrome, classic-like (MIM#606408). (I) 0106 - This gene is associated with autosomal recessive disease. (I) 0200 - Variant is predicted to result in a missense amino acid change from glycine to glutamic acid. (I) 0251 - This variant is heterozygous. (I) 0301 - Variant is absent from gnomAD (both v2 and v3). (SP) 0502 - Missense variant with conflicting in silico predictions and uninformative conservation. (I) 0600 - Variant is located in the annotated fibronectin type III domain (Uniprot, NCBI). (I) 0705 - No comparable missense variants have previous evidence for pathogenicity. (I) 0807 - This variant has no previous evidence of pathogenicity. (I) 0905 - No published segregation evidence has been identified for this variant. (I) 1007 - No published functional evidence has been identified for this variant. (I) Legend: (SP) - Supporting pathogenic, (I) - Information, (SB) - Supporting benign